The following is an entry in ClinVar:

ClinVar aggregate classification (germline): Uncertain significance (1 of 4 stars; one submission).

Allele frequency attached by ClinVar (database versions not stated): gnomAD exomes 0.00001.
gnomAD v4.1: 6 of 1,614,084 alleles (0.00037%); highest among the groups gnomAD compares: Non-Finnish European, 0.00051%; no homozygotes.

Submission:

Labcorp Genetics (formerly Invitae), Labcorp
Classification: Uncertain significance. Last evaluated: 2023-06-17. Review status: criteria provided, single submitter. Criteria: Invitae Variant Classification Sherloc (09022015). Collection method: clinical testing. Allele origin: germline.
Comment: In summary, the available evidence is currently insufficient to determine the role of this variant in disease. Therefore, it has been classified as a Variant of Uncertain Significance. An algorithm developed to predict the effect of missense changes on protein structure and function (PolyPhen-2) suggests that this variant is likely to be disruptive. This variant has not been reported in the literature in individuals affected with KLHL7-related conditions. This variant is not present in population databases (gnomAD no frequency). This sequence change replaces glutamine, which is neutral and polar, with proline, which is neutral and non-polar, at codon 184 of the KLHL7 protein (p.Gln184Pro).

NM_001031710.3(KLHL7):c.551A>C (p.Gln184Pro)

Gene: KLHL7 (kelch like family member 7; plus strand). Cytogenetic location: 7p15.3.
Variant type: single nucleotide variant.
Coding change: c.551A>C on transcript NM_001031710.3 (MANE Select); coding-DNA position 551, A replaced by C.
Protein change: p.Gln184Pro; replaces glutamine 184 with proline.
Molecular consequence: missense variant. On other transcripts: non-coding transcript variant (1).
Genome position (GRCh38, 1-based): chr7:23,140,877, A>C. VCF-style: chr7-23140877-A-C. GRCh37 (hg19) VCF-style: chr7-23180496-A-C.
Other names: c.407A>C, p.Gln136Pro (NM_018846.5); short protein forms Q136P, Q184P.
Identifiers: ClinVar variation 2795288 (VCV002795288.3), dbSNP rs2534860878, ClinGen allele CA366976298.